The following is an entry in ClinVar:

NM_000426.4(LAMA2):c.2792A>G (p.His931Arg)

Gene: LAMA2 (laminin subunit alpha 2; plus strand). Cytogenetic location: 6q22.33.
Variant type: single nucleotide variant.
Coding change: c.2792A>G on transcript NM_000426.4 (MANE Select); coding-DNA position 2792, A replaced by G.
Protein change: p.His931Arg; replaces histidine 931 with arginine.
Molecular consequence: missense variant.
Genome position (GRCh38, 1-based): chr6:129,291,656, A>G. VCF-style: chr6-129291656-A-G. GRCh37 (hg19) VCF-style: chr6-129612801-A-G.
Other names: c.2792A>G, p.His931Arg (NM_001079823.2); short protein forms H931R.
Identifiers: ClinVar variation 1006117 (VCV001006117.9), dbSNP rs1789709943, ClinGen allele CA365610747.

ClinVar aggregate classification (germline): Uncertain significance (1 of 4 stars; one submission).

Conditions:
LAMA2-related muscular dystrophy (LAMA2-RD). Also called: Laminin alpha 2-related dystrophy. Identifiers: MedGen C5679788, MONDO:0100228.

Submission:

Labcorp Genetics (formerly Invitae), Labcorp
Classification: Uncertain significance for LAMA2-related muscular dystrophy. Last evaluated: 2020-03-07. Review status: criteria provided, single submitter. Criteria: Invitae Variant Classification Sherloc (09022015). Collection method: clinical testing. Allele origin: germline.
Comment: Algorithms developed to predict the effect of missense changes on protein structure and function (SIFT, PolyPhen-2, Align-GVGD) all suggest that this variant is likely to be tolerated, but these predictions have not been confirmed by published functional studies and their clinical significance is uncertain. This sequence change replaces histidine with arginine at codon 931 of the LAMA2 protein (p.His931Arg). The histidine residue is weakly conserved and there is a small physicochemical difference between histidine and arginine. This variant is not present in population databases (ExAC no frequency). This variant has not been reported in the literature in individuals with LAMA2-related conditions. In summary, the available evidence is currently insufficient to determine the role of this variant in disease. Therefore, it has been classified as a Variant of Uncertain Significance.